The following is an entry in ClinVar:

NC_000008.10:g.(?_68024187)_(68107828_?)dup

Gene: CSPP1 (centrosome and spindle pole associated protein 1; plus strand). Cytogenetic location: 8q13.2.
Variant type: Duplication.
Identifiers: ClinVar variation 1450791 (VCV001450791.5).

ClinVar aggregate classification (germline): Uncertain significance (1 of 4 stars; one submission).

Conditions:
Joubert syndrome 21 (JBTS21). Identifiers: MedGen C3810212, MONDO:0014288, OMIM 615636.

Submission:

Labcorp Genetics (formerly Invitae), Labcorp
Classification: Uncertain significance for Joubert syndrome 21. Last evaluated: 2023-12-21. Review status: criteria provided, single submitter. Criteria: Invitae Variant Classification Sherloc (09022015). Collection method: clinical testing. Allele origin: germline.
Comment: This variant results in a copy number gain of the genomic region encompassing exon(s) 9-29 of the CSPP1 gene. This region includes the termination codon of the gene. This copy number gain extends beyond the assayed region for this gene and therefore may encompass additional genes. As the precise location of this event is unknown, it may be in tandem or it may be located elsewhere in the genome. This variant has not been reported in the literature in individuals affected with CSPP1-related conditions. In summary, the available evidence is currently insufficient to determine the role of this variant in disease. Therefore, it has been classified as a Variant of Uncertain Significance.